The following is an entry in ClinVar:

NM_199355.4(ADAMTS18):c.626A>G (p.Glu209Gly)

Gene: ADAMTS18 (ADAM metallopeptidase with thrombospondin type 1 motif 18; minus strand). Cytogenetic location: 16q23.1.
Variant type: single nucleotide variant.
Coding change: c.626A>G on transcript NM_199355.4 (MANE Select); coding-DNA position 626, A replaced by G.
Protein change: p.Glu209Gly; replaces glutamic acid 209 with glycine.
Molecular consequence: missense variant.
Genome position (GRCh38, 1-based): chr16:77,367,593, T>C on the plus strand (A>G on the coding strand, the complement: ADAMTS18 is on the minus strand). VCF-style: chr16-77367593-T-C. GRCh37 (hg19) VCF-style: chr16-77401490-T-C.
Other names: c.106A>G, p.Arg36Gly (NM_001326358.2); c.626A>G (NM_199355.2); short protein forms E209G, R36G.
Identifiers: ClinVar variation 954210 (VCV000954210.8), dbSNP rs879934748, ClinGen allele CA284377314.

ClinVar aggregate classification (germline): Uncertain significance. Review status: criteria provided, multiple submitters, no conflicts (2 of 4 stars). 2 submissions from 2 submitters: Uncertain significance (2). Last evaluated 2023-11-20.

Conditions:
Inborn genetic diseases. Identifiers: MedGen C0950123, MeSH D030342.

Allele frequency attached by ClinVar (database versions not stated): gnomAD exomes 0.00001 and 0.00002; gnomAD 0.00005; TOPMed 0.00005.
gnomAD v4.1: 16 of 1,614,104 alleles (0.00099%); highest among the groups gnomAD compares: African/African-American, 0.021%; no homozygotes.

Submissions (2):

Labcorp Genetics (formerly Invitae), Labcorp
Classification: Uncertain significance. Last evaluated: 2023-11-20. Review status: criteria provided, single submitter. Criteria: Invitae Variant Classification Sherloc (09022015). Collection method: clinical testing. Allele origin: germline.
Comment: This sequence change replaces glutamic acid, which is acidic and polar, with glycine, which is neutral and non-polar, at codon 209 of the ADAMTS18 protein (p.Glu209Gly). This variant is present in population databases (no rsID available, gnomAD 0.02%). This variant has not been reported in the literature in individuals affected with ADAMTS18-related conditions. ClinVar contains an entry for this variant (Variation ID: 954210). An algorithm developed to predict the effect of missense changes on protein structure and function (PolyPhen-2) suggests that this variant is likely to be tolerated. In summary, the available evidence is currently insufficient to determine the role of this variant in disease. Therefore, it has been classified as a Variant of Uncertain Significance.

Ambry Genetics
Classification: Uncertain significance for Inborn genetic diseases. Last evaluated: 2021-10-22. Review status: criteria provided, single submitter. Criteria: Ambry Variant Classification Scheme 2023. Collection method: clinical testing. Allele origin: germline.